The following is an entry in ClinVar:

NM_004484.4(GPC3):c.1437del (p.Gly481fs)

Gene: GPC3 (glypican 3; minus strand). Cytogenetic location: Xq26.2.
Variant type: Deletion.
Coding change: c.1437del on transcript NM_004484.4 (MANE Select); coding-DNA position 1437, one base deleted (C; older notation c.1437delC).
Protein change: p.Gly481fs; shifts the reading frame from glycine 481.
Molecular consequence: frameshift variant.
Genome position (GRCh38, 1-based): chrX:133,596,576, G deleted on the plus strand (C on the coding strand, the reverse complement: GPC3 is on the minus strand); the first of 3 consecutive G bases (chrX:133,596,576-133,596,578); deleting any one gives the same sequence. VCF-style (leftmost placement, unchanged base first): chrX-133596575-TG-T. GRCh37 (hg19) VCF-style: chrX-132730603-TG-T.
Other names: c.1506del, p.Gly504fs (NM_001164617.2); c.1389del, p.Gly465fs (NM_001164618.2); c.1275del, p.Gly427fs (NM_001164619.2); c.1437delC (NM_004484.3); short protein forms G504fs, G427fs, G465fs, G481fs.
Identifiers: ClinVar variation 265319 (VCV000265319.2), dbSNP rs886039473, ClinGen allele CA10588741.

ClinVar aggregate classification (germline): Pathogenic (1 of 4 stars; one submission).

Submission:

GeneDx
Classification: Pathogenic. Last evaluated: 2015-04-03. Review status: criteria provided, single submitter. Criteria: GeneDx Variant Classification (06012015). Collection method: clinical testing. Allele origin: germline. Affected: yes.
Comment: The c.1437delC variant in the GPC3 gene causes a frameshift starting with codon Glycine 481, changes this amino acid to a Valine residue and creates a premature Stop codon at position 33 of the new reading frame, denoted p.Gly481ValfsX33. This variant is predicted to cause loss of normal protein function through protein truncation, as the last 100 amino acids of the GPC3 protein are lost and replaced with 32 incorrect amino acids. Although this variant has not been previously reported to our knowledge, other frameshift mutations in the GPC3 gene have been reported in association with Simpson-Golabi-Behmel syndrome type 1 (SGBS1) (Stenson et al., 2014).